The following is an entry in ClinVar:

NM_032242.4(PLXNA1):c.2429C>T (p.Pro810Leu)

Gene: PLXNA1 (plexin A1; plus strand). Cytogenetic location: 3q21.3.
Variant type: single nucleotide variant.
Coding change: c.2429C>T on transcript NM_032242.4 (MANE Select); coding-DNA position 2429, C replaced by T.
Protein change: p.Pro810Leu; replaces proline 810 with leucine.
Molecular consequence: missense variant.
Genome position (GRCh38, 1-based): chr3:127,014,200, C>T. VCF-style: chr3-127014200-C-T. GRCh37 (hg19) VCF-style: chr3-126733043-C-T.
Other names: short protein forms P810L.
Identifiers: ClinVar variation 3358216 (VCV003358216.2).
Genomic context (GRCh38, chr3:127,014,200, plus strand): 5'-GGGCAGTGGGCGGGCCCGAGCTGACCGCACCCCTCCCCACAGCGCACCTCTACAAGTGCC[C>T]GGCCCTGCGCGAGAGCTGCGGCCTCTGCCTCAAGGCCGACCCGCGCTTCGAGTGCGGATG-3'
Protein context (NP_115618.3, residues 800-820): QNIQAHLYKC[Pro810Leu]ALRESCGLCL

ClinVar aggregate classification (germline): Uncertain significance. Review status: criteria provided, single submitter (1 of 4 stars). 2 submissions from 2 submitters: Uncertain significance (1). 1 of the submissions does not count toward it. Last evaluated 2025-01-23.

Conditions:
PLXNA1-related disorder. Also called: PLXNA1-related condition.

gnomAD v4.1: 44 of 1,608,708 alleles (0.0027%); highest among the groups gnomAD compares: Admixed American, 0.0033%; no homozygotes.

Submissions (2):

Ambry Genetics
Classification: Uncertain significance. Last evaluated: 2025-01-23. Review status: criteria provided, single submitter. Criteria: Ambry Variant Classification Scheme 2023. Collection method: clinical testing. Allele origin: germline.

PreventionGenetics, part of Exact Sciences
Classification: Uncertain significance for PLXNA1-related condition. Last evaluated: 2024-03-05. Review status: no assertion criteria provided. Collection method: clinical testing. Allele origin: germline. Not counted in ClinVar's aggregate classification.
Comment: The PLXNA1 c.2429C>T variant is predicted to result in the amino acid substitution p.Pro810Leu. To our knowledge, this variant has not been reported in the literature. This variant is reported in 0.0051% of alleles in individuals of East Asian descent in gnomAD. At this time, the clinical significance of this variant is uncertain due to the absence of conclusive functional and genetic evidence.